The following is an entry in ClinVar:

ClinVar aggregate classification (germline): Conflicting classifications of pathogenicity. Review status: criteria provided, conflicting classifications (1 of 4 stars). 6 submissions from 6 submitters: Likely pathogenic (3); Uncertain significance (3). Last evaluated 2025-06-01.

Conditions:
Cardiovascular phenotype. Identifiers: MedGen CN230736.
Charcot-Marie-Tooth disease type 2. Also called: Charcot-Marie-Tooth type 2. Identifiers: Orphanet 64746, MedGen C0270914, MONDO:0018993.
Cardiomyopathy (CMYO). Also called: Cardiomyopathies. Identifiers: Orphanet 167848, MedGen C0878544, MONDO:0004994, HP:0001638. Inheritance: Various modes of inheritance.

Submissions (6):

Labcorp Genetics (formerly Invitae), Labcorp
Classification: Likely pathogenic for Charcot-Marie-Tooth disease type 2. Last evaluated: 2025-06-01. Review status: criteria provided, single submitter. Criteria: Invitae Variant Classification Sherloc (09022015). Collection method: clinical testing. Allele origin: germline.
Comment: This sequence change replaces threonine, which is neutral and polar, with isoleucine, which is neutral and non-polar, at codon 150 of the LMNA protein (p.Thr150Ile). This variant is not present in population databases (gnomAD no frequency). This missense change has been observed in individual(s) with dilated cardiomyopathy (PMID: 24037902, 25448463, 37652022). ClinVar contains an entry for this variant (Variation ID: 228805). Invitae Evidence Modeling of protein sequence and biophysical properties (such as structural, functional, and spatial information, amino acid conservation, physicochemical variation, residue mobility, and thermodynamic stability) indicates that this missense variant is expected to disrupt LMNA protein function with a positive predictive value of 95%. This variant disrupts the p.Thr150 amino acid residue in LMNA. Other variant(s) that disrupt this residue have been determined to be pathogenic (PMID: 10908904, 20848652, 24503780). This suggests that this residue is clinically significant, and that variants that disrupt this residue are likely to be disease-causing. In summary, the currently available evidence indicates that the variant is pathogenic, but additional data are needed to prove that conclusively. Therefore, this variant has been classified as Likely Pathogenic.

Molecular Diagnostic Laboratory for Inherited Cardiovascular Disease, Montreal Heart Institute
Classification: Likely pathogenic for Cardiovascular phenotype. Last evaluated: 2024-09-26. Review status: criteria provided, single submitter. Criteria: ACMG Guidelines, 2015. Collection method: clinical testing. Allele origin: germline. Affected: yes.
Comment: PS4_mod, PM2, PM5, PP2, PP3

Ambry Genetics
Classification: Uncertain significance for Cardiovascular phenotype. Last evaluated: 2024-01-18. Review status: criteria provided, single submitter. Criteria: Ambry Variant Classification Scheme 2023. Collection method: clinical testing. Allele origin: germline.
Comment: The p.T150I variant (also known as c.449C>T), located in coding exon 2 of the LMNA gene, results from a C to T substitution at nucleotide position 449. The threonine at codon 150 is replaced by isoleucine, an amino acid with similar properties. This variant has been detected in individuals from dilated cardiomyopathy cohorts (Hirtle-Lewis M et al. Clin Cardiol, 2013 Oct;36:628-33; Chami N et al. Can J Cardiol, 2014 Dec;30:1655-61; Adler A et al. Circ Arrhythm Electrophysiol, 2016 Jan;9:e003440; Mazzarotto F et al. Circulation, 2020 Feb;141:387-398). Another alteration at the same codon, p.T150P (c.448A>C), has been reported in association with phenotypes consistent with laminopathies (Felice KJ. Neurology. 2000 Jul;55(2):275-80). This amino acid position is highly conserved in available vertebrate species. In addition, this alteration is predicted to be deleterious by in silico analysis. Based on the available evidence, the clinical significance of this alteration remains unclear.

GeneDx
Classification: Uncertain significance. Last evaluated: 2023-08-01. Review status: criteria provided, single submitter. Criteria: GeneDx Variant Classification Process June 2021. Collection method: clinical testing. Allele origin: germline. Affected: yes.
Comment: Not observed at significant frequency in large population cohorts (gnomAD); In silico analysis supports that this missense variant has a deleterious effect on protein structure/function; Reported in individuals with dilated cardiomyopathy (Hirtle-Lewis et al., 2013; Chami et al., 2014); This variant is associated with the following publications: (PMID: 24037902, 1300868, 30402260, 25448463, 10939567, 20848652, 10908904)

CHEO Genetics Diagnostic Laboratory, Children's Hospital of Eastern Ontario
Classification: Likely pathogenic for Cardiomyopathy. Last evaluated: 2023-05-16. Review status: criteria provided, single submitter. Criteria: ACMG Guidelines, 2015. Collection method: clinical testing. Allele origin: germline.

Laboratory for Molecular Medicine, Mass General Brigham Personalized Medicine
Classification: Uncertain significance. Last evaluated: 2015-04-09. Review status: criteria provided, single submitter. Criteria: LMM Criteria. Collection method: clinical testing. Allele origin: germline. Observed: 2 variant alleles.
Comment: Variant classified as Uncertain Significance - Favor Pathogenic. The p.Thr150Ile variant in LMNA has been previously reported in 1 individual with DCM (Hirtle-L ewis 2013) and was absent from large population studies. In addition, another di sease-causing variant at this position (p.Thr150Pro) has been reported in 2 indi viduals with Emery-Dreifuss muscular dystrophy with conduction system disease (F elice 2000, Schamer 2011) and was identified by our laboratory in 4 family membe rs with clinical features of LMNA-related cardiomyopathy (DCM, muscle weakness, and/or conduction system disease; LMM unpublished data), suggesting that a chang e at this position may not be tolerated. Computational prediction tools and cons ervation analysis suggest that this variant may impact the protein, though this information is not predictive enough to determine pathogenicity. In summary, whi le there is some suspicion for a pathogenic role, the clinical significance of t he p.Thr150Ile variant is uncertain.

Literature cited by the submitters: PubMed 24037902 (cited by 3 submitters); PubMed 25448463 (cited by Labcorp Genetics (formerly Invitae), Labcorp and Ambry Genetics); PubMed 37652022 (cited by Labcorp Genetics (formerly Invitae), Labcorp); PubMed 10908904 (cited by 3 submitters); PubMed 20848652 (cited by Labcorp Genetics (formerly Invitae), Labcorp and Laboratory for Molecular Medicine, Mass General Brigham Personalized Medicine); PubMed 24503780 (cited by Labcorp Genetics (formerly Invitae), Labcorp); PubMed 26743238 (cited by Ambry Genetics); PubMed 31983221 (cited by Ambry Genetics).

NM_170707.4(LMNA):c.449C>T (p.Thr150Ile)

Genes: LMNA (lamin A/C; plus strand), LOC126805877 (MED14-independent group 3 enhancer GRCh37_chr1:156099693-156100892; plus strand). Cytogenetic location: 1q22.
Variant type: single nucleotide variant.
Coding change: c.449C>T on transcript NM_170707.4 (MANE Select); coding-DNA position 449, C replaced by T.
Protein change: p.Thr150Ile; replaces threonine 150 with isoleucine.
Molecular consequence: missense variant.
Genome position (GRCh38, 1-based): chr1:156,130,709, C>T. VCF-style: chr1-156130709-C-T. GRCh37 (hg19) VCF-style: chr1-156100500-C-T.
Other names: c.113C>T, p.Thr38Ile (NM_001257374.3); c.206C>T, p.Thr69Ile (NM_001282624.2); c.449C>T, p.Thr150Ile (NM_001282625.2, NM_001282626.2, NM_005572.4 and 1 more transcripts); c.449C>T (NM_170707.3); short protein forms T150I, T38I, T69I.
Identifiers: ClinVar variation 228805 (VCV000228805.9), dbSNP rs869069617, ClinGen allele CA10576365.